The following is an entry in ClinVar:

NM_001009944.3(PKD1):c.3190dup (p.Leu1064fs)

Gene: PKD1 (polycystin 1, transient receptor potential channel interacting; minus strand). Cytogenetic location: 16p13.3.
Variant type: Duplication.
Coding change: c.3190dup on transcript NM_001009944.3 (MANE Select); coding-DNA position 3190, one base duplicated (C; older notation c.3190dupC).
Protein change: p.Leu1064fs; shifts the reading frame from leucine 1064.
Molecular consequence: frameshift variant.
Genome position (GRCh38, 1-based): chr16:2,112,445, G duplicated on the plus strand (C on the coding strand, the reverse complement: PKD1 is on the minus strand); the first of 3 consecutive G bases (chr16:2,112,445-2,112,447); duplicating any one gives the same sequence. VCF-style (leftmost placement, unchanged base first): chr16-2112444-A-AG. GRCh37 (hg19) VCF-style: chr16-2162445-A-AG.
Other names: c.3190dup, p.Leu1064fs (NM_000296.4); short protein forms L1064fs.
Identifiers: ClinVar variation 4531580 (VCV004531580.1).

ClinVar aggregate classification (germline): Pathogenic (1 of 4 stars; one submission).

Conditions:
Polycystic kidney disease, adult type (PKD1). Also called: Polycystic Kidney, Autosomal Dominant; POLYCYSTIC KIDNEY DISEASE, ADULT, TYPE I; Polycystic Kidney Disease 1, Autosomal Dominant; Polycystic kidney disease 1; Polycystic kidney disease 1, severe; POLYCYSTIC KIDNEY DISEASE 1 WITH OR WITHOUT POLYCYSTIC LIVER DISEASE. Identifiers: MedGen C3149841, MONDO:0008263, OMIM 173900.

Submission:

Victorian Clinical Genetics Services, Murdoch Childrens Research Institute
Classification: Pathogenic for Polycystic kidney disease, adult type. Last evaluated: 2025-10-08. Review status: criteria provided, single submitter. Criteria: ACMG Guidelines, 2015. Collection method: clinical testing. Allele origin: germline. Affected: yes.
Comment: This variant is classified as Pathogenic. Evidence in support of pathogenic classification: Variant is predicted to cause nonsense-mediated decay (NMD) and loss of protein (premature termination codon is located at least 54 nucleotides upstream of the final exon-exon junction); Variant is absent from gnomAD (v2, v3 and v4); Other NMD-predicted variants comparable to the one identified in this case have very strong previous evidence for pathogenicity (DECIPHER). Additional information: This variant is heterozygous; This gene is associated with autosomal dominant disease. Polycystic kidney disease 1 (MIM#173900) is predominantly caused by monoallelic variants, with rare reports of biallelic variants causing disease (OMIM); This variant has no previous evidence of pathogenicity; No published evidence of segregation with disease has been identified for this variant; No published functional evidence has been identified for this variant; Loss of function is a known mechanism of disease in this gene and is associated with polycystic kidney disease 1 (MIM#173900); Inheritance information for this variant is not currently available in this individual.